The following is an entry in ClinVar:

NM_000642.3(AGL):c.2467G>A (p.Val823Ile)

Gene: AGL (amylo-alpha-1,6-glucosidase and 4-alpha-glucanotransferase; plus strand). Cytogenetic location: 1p21.2.
Variant type: single nucleotide variant.
Coding change: c.2467G>A on transcript NM_000642.3 (MANE Select); coding-DNA position 2467, G replaced by A.
Protein change: p.Val823Ile; replaces valine 823 with isoleucine.
Molecular consequence: missense variant.
Genome position (GRCh38, 1-based): chr1:99,884,372, G>A. VCF-style: chr1-99884372-G-A. GRCh37 (hg19) VCF-style: chr1-100349928-G-A.
Other names: c.2467G>A, p.Val823Ile (NM_000028.3, NM_000643.3, NM_000644.3 and 2 more transcripts); c.2419G>A, p.Val807Ile (NM_000646.3); c.2266G>A, p.Val756Ile (NM_001425327.1); c.2263G>A, p.Val755Ile (NM_001425328.1, NM_001425329.1); c.2089G>A, p.Val697Ile (NM_001425332.1); short protein forms V807I, V823I, V697I, V755I, V756I.
Identifiers: ClinVar variation 2153269 (VCV002153269.1), dbSNP rs1278750424, ClinGen allele CA341321119.

ClinVar aggregate classification (germline): Uncertain significance (1 of 4 stars; one submission).

Conditions:
Glycogen storage disease type III (GSD3). Also called: FORBES DISEASE; Cori disease. Identifiers: Orphanet 366, MedGen C0017922, MONDO:0009291, OMIM 232400.

Allele frequency attached by ClinVar (database versions not stated): gnomAD exomes below 0.00001; TOPMed 0.00001; gnomAD 0.00004.
gnomAD v4.1: 7 of 1,612,334 alleles (0.00043%); highest among the groups gnomAD compares: African/African-American, 0.0081%; no homozygotes.

Submission:

Labcorp Genetics (formerly Invitae), Labcorp
Classification: Uncertain significance for Glycogen storage disease type III. Last evaluated: 2022-06-07. Review status: criteria provided, single submitter. Criteria: Invitae Variant Classification Sherloc (09022015). Collection method: clinical testing. Allele origin: germline.
Comment: This sequence change replaces valine, which is neutral and non-polar, with isoleucine, which is neutral and non-polar, at codon 823 of the AGL protein (p.Val823Ile). This variant is present in population databases (no rsID available, gnomAD 0.06%). This variant has not been reported in the literature in individuals affected with AGL-related conditions. Algorithms developed to predict the effect of missense changes on protein structure and function output the following: SIFT: "Tolerated"; PolyPhen-2: "Benign"; Align-GVGD: "Class C0". The isoleucine amino acid residue is found in multiple mammalian species, which suggests that this missense change does not adversely affect protein function. In summary, the available evidence is currently insufficient to determine the role of this variant in disease. Therefore, it has been classified as a Variant of Uncertain Significance.